The following is an entry in ClinVar:

ClinVar aggregate classification (germline): Uncertain significance (1 of 4 stars; one submission).

gnomAD v4.1: 2 of 1,612,596 alleles (0.00012%); highest among the groups gnomAD compares: Non-Finnish European, 0.00017%; no homozygotes.

Submission:

Labcorp Genetics (formerly Invitae), Labcorp
Classification: Uncertain significance. Last evaluated: 2024-07-31. Review status: criteria provided, single submitter. Criteria: Invitae Variant Classification Sherloc (09022015). Collection method: clinical testing. Allele origin: germline.
Comment: This sequence change replaces glycine, which is neutral and non-polar, with aspartic acid, which is acidic and polar, at codon 95 of the IL12RB2 protein (p.Gly95Asp). This variant is not present in population databases (gnomAD no frequency). This variant has not been reported in the literature in individuals affected with IL12RB2-related conditions. An algorithm developed to predict the effect of missense changes on protein structure and function (PolyPhen-2) suggests that this variant is likely to be disruptive. In summary, the available evidence is currently insufficient to determine the role of this variant in disease. Therefore, it has been classified as a Variant of Uncertain Significance.

NM_001374259.2(IL12RB2):c.284G>A (p.Gly95Asp)

Gene: IL12RB2 (interleukin 12 receptor subunit beta 2; plus strand). Cytogenetic location: 1p31.3.
Variant type: single nucleotide variant.
Coding change: c.284G>A on transcript NM_001374259.2 (MANE Select); coding-DNA position 284, G replaced by A.
Protein change: p.Gly95Asp; replaces glycine 95 with aspartic acid.
Molecular consequence: missense variant. On other transcripts: non-coding transcript variant (2).
Genome position (GRCh38, 1-based): chr1:67,321,809, G>A. VCF-style: chr1-67321809-G-A. GRCh37 (hg19) VCF-style: chr1-67787492-G-A.
Other names: c.284G>A, p.Gly95Asp (NM_001258214.1, NM_001258215.1, NM_001258216.1 and 2 more transcripts); short protein forms G95D.
Identifiers: ClinVar variation 3652027 (VCV003652027.2).
Genomic context (GRCh38, chr1:67,321,809, plus strand): 5'-GAAGAATCAATTTTCACCATGGCCACTCCCTCAATTCTCAAGTCACAGGTCTTCCCCTTG[G>A]TACAACCTTGTTTGTCTGCAAACTGGCCTGTATCAATAGTGATGAAATTCAAATATGTGG-3'
Protein context (NP_001361188.1, residues 85-105): LNSQVTGLPL[Gly95Asp]TTLFVCKLAC